The following is an entry in ClinVar:

NM_005144.5(HR):c.2367+5G>C

Gene: HR (HR lysine demethylase and nuclear receptor corepressor; minus strand). Cytogenetic location: 8p21.3.
Variant type: single nucleotide variant.
Coding change: c.2367+5G>C on transcript NM_005144.5 (MANE Select); 5 bases into the intron after coding-DNA position 2367, G replaced by C.
Molecular consequence: intron variant.
Genome position (GRCh38, 1-based): chr8:22,121,060, C>G on the plus strand (G>C on the coding strand, the complement: HR is on the minus strand). VCF-style: chr8-22121060-C-G. GRCh37 (hg19) VCF-style: chr8-21978573-C-G.
Other names: c.2367+5G>C (NM_018411.4).
Identifiers: ClinVar variation 4539963 (VCV004539963.1).
Genomic context (GRCh38, chr8:22,121,060, plus strand): 5'-ACAGGGAGGGCAGGCCCAGCCTCTGGTCCCCTGGCTCCTAGCCCTCCCTCCGTGCCCTCA[C>G]TCACACTGGGCAGGGCCGGAGTGACGGGGGCGAAGGCCATGTGTATTCGCTCATGGCCCA-3'

ClinVar aggregate classification (germline): Likely pathogenic (1 of 4 stars; one submission).

gnomAD v4.1: 7 of 1,613,428 alleles (0.00043%); highest among the groups gnomAD compares: African/African-American, 0.0027%; no homozygotes.

Submission:

GeneDx
Classification: Likely pathogenic. Last evaluated: 2025-06-26. Review status: criteria provided, single submitter. Criteria: GeneDx Variant Classification Process June 2021. Collection method: clinical testing. Allele origin: germline. Affected: yes.
Comment: Intronic variant directly or indirectly altering the +5 splice site in a gene for which loss of function is a known mechanism of disease, and splice predictors support a deleterious effect; Not observed at significant frequency in large population cohorts (gnomAD); Has not been previously published as pathogenic or benign to our knowledge